The following is an entry in ClinVar:

ClinVar aggregate classification (germline): Uncertain significance. Review status: criteria provided, multiple submitters, no conflicts (2 of 4 stars). 4 submissions from 4 submitters: Uncertain significance (4). Last evaluated 2025-11-27.

Conditions:
Osteoporosis with pseudoglioma (OPPG). Also called: osteoporosis-pseudoglioma syndrome. Identifiers: Orphanet 2788, MedGen C0432252, MONDO:0009820, OMIM 259770.
Bone mineral density quantitative trait locus 1 (BMND1). Identifiers: MedGen C1866079, OMIM 601884.
Exudative vitreoretinopathy 4 (EVR4). Identifiers: Orphanet 891, MedGen C1866176, MONDO:0011151, OMIM 601813.
Worth disease. Also called: Autosomal dominant osteosclerosis, Worth type; ENDOSTEAL HYPEROSTOSIS, AUTOSOMAL DOMINANT; OSTEOSCLEROSIS, AUTOSOMAL DOMINANT. Identifiers: Orphanet 2790, MedGen C0432273, MONDO:0007764, OMIM 144750.
Polycystic liver disease 4 with or without kidney cysts. Identifiers: MedGen C4693479, MONDO:0044327, OMIM 617875.
Autosomal dominant osteopetrosis 1 (OPTA1). Also called: OSTEOPETROSIS, AUTOSOMAL DOMINANT, TYPE I. Identifiers: Orphanet 2783, MedGen C1843330, MONDO:0011877, OMIM 607634.
LRP5-related disorder. Also called: LRP5-related condition.

gnomAD v4.1: 6 of 1,612,158 alleles (0.00037%); highest among the groups gnomAD compares: East Asian, 0.013%; no homozygotes.

Submissions (4):

Labcorp Genetics (formerly Invitae), Labcorp
Classification: Uncertain significance. Last evaluated: 2025-11-27. Review status: criteria provided, single submitter. Criteria: Invitae Variant Classification Sherloc (09022015). Collection method: clinical testing. Allele origin: germline.
Comment: This sequence change replaces phenylalanine, which is neutral and non-polar, with leucine, which is neutral and non-polar, at codon 1127 of the LRP5 protein (p.Phe1127Leu). This variant is present in population databases (rs556325422, gnomAD 0.02%). This missense change has been observed in individual(s) with familial exudative vitreoretinopathy (PMID: 31237656). ClinVar contains an entry for this variant (Variation ID: 3714392). Invitae Evidence Modeling of protein sequence and biophysical properties (such as structural, functional, and spatial information, amino acid conservation, physicochemical variation, residue mobility, and thermodynamic stability) has been performed for this missense variant. However, the output from this modeling did not meet the statistical confidence thresholds required to predict the impact of this variant on LRP5 protein function. This variant disrupts the p.Phe1127 amino acid residue in LRP5. Other variant(s) that disrupt this residue have been observed in individuals with LRP5-related conditions (PMID: 31299183), which suggests that this may be a clinically significant amino acid residue. In summary, the available evidence is currently insufficient to determine the role of this variant in disease. Therefore, it has been classified as a Variant of Uncertain Significance.

PreventionGenetics, part of Exact Sciences
Classification: Uncertain significance for LRP5-related condition. Last evaluated: 2025-09-26. Review status: criteria provided, single submitter. Criteria: ACMG Guidelines, 2015. Collection method: clinical testing. Allele origin: germline.
Comment: The LRP5 c.3379T>C variant is predicted to result in the amino acid substitution p.Phe1127Leu. This variant has been reported in an individual with familial exudative vitreoretinopathy (Chen et al. 2019. PubMed ID: 31237656). This variant is reported in 0.027% of alleles in individuals of East Asian descent in gnomAD. At this time, the clinical significance of this variant is uncertain due to the absence of conclusive functional and genetic evidence.

Blueprint Genetics
Classification: Uncertain significance. Last evaluated: 2022-06-28. Review status: criteria provided, single submitter. Criteria: ACMG Guidelines, 2015. Collection method: clinical testing. Allele origin: germline.

Juno Genomics, Hangzhou Juno Genomics, Inc
Classification: Uncertain significance for Bone mineral density quantitative trait locus 1; Worth disease; Exudative vitreoretinopathy 4; Autosomal dominant osteopetrosis 1; Osteoporosis with pseudoglioma; Polycystic liver disease 4 with or without kidney cysts. Review status: criteria provided, single submitter. Criteria: ACMG Guidelines, 2015. Collection method: clinical testing. Allele origin: germline.
Comment: Missense variant in a gene that has a low rate of benign missense variation.;Multiple lines of computational evidence support a deleterious effect on the gene or gene product.;Absent from controls (or at extremely low frequency if recessive) in Genome Aggregation Database.

Literature cited by the submitters: PubMed 31237656 (cited by Labcorp Genetics (formerly Invitae), Labcorp); PubMed 31299183 (cited by Labcorp Genetics (formerly Invitae), Labcorp).

NM_002335.4(LRP5):c.3379T>C (p.Phe1127Leu)

Gene: LRP5 (LDL receptor related protein 5; plus strand). Cytogenetic location: 11q13.2.
Variant type: single nucleotide variant.
Coding change: c.3379T>C on transcript NM_002335.4 (MANE Select); coding-DNA position 3379, T replaced by C.
Protein change: p.Phe1127Leu; replaces phenylalanine 1127 with leucine.
Molecular consequence: missense variant.
Genome position (GRCh38, 1-based): chr11:68,425,244, T>C. VCF-style: chr11-68425244-T-C. GRCh37 (hg19) VCF-style: chr11-68192712-T-C.
Other names: c.1636T>C, p.Phe546Leu (NM_001291902.2); c.3379T>C (NM_002335.3); short protein forms F546L, F1127L.
Identifiers: ClinVar variation 3714392 (VCV003714392.5).